The following is an entry in ClinVar:

NM_014314.4(RIGI):c.2327T>G (p.Phe776Cys)

Gene: RIGI (RNA sensor RIG-I; minus strand). Cytogenetic location: 9p21.1.
Variant type: single nucleotide variant.
Coding change: c.2327T>G on transcript NM_014314.4 (MANE Select); coding-DNA position 2327, T replaced by G.
Protein change: p.Phe776Cys; replaces phenylalanine 776 with cysteine.
Molecular consequence: missense variant.
Genome position (GRCh38, 1-based): chr9:32,466,300, A>C on the plus strand (T>G on the coding strand, the complement: RIGI is on the minus strand). VCF-style: chr9-32466300-A-C. GRCh37 (hg19) VCF-style: chr9-32466298-A-C.
Other names: c.2321T>G, p.Phe774Cys (NM_001385907.1); c.2156T>G, p.Phe719Cys (NM_001385909.1); c.1886T>G, p.Phe629Cys (NM_001385910.1); c.1718T>G, p.Phe573Cys (NM_001385912.1); c.2312T>G, p.Phe771Cys (NM_001385913.1); c.1883T>G, p.Phe628Cys (NM_001385914.1); short protein forms F573C, F629C, F776C, F719C, F771C, F774C, F628C.
Identifiers: ClinVar variation 2516242 (VCV002516242.4), dbSNP rs1046722296, ClinGen allele CA192358717.

ClinVar aggregate classification (germline): Uncertain significance. Review status: criteria provided, multiple submitters, no conflicts (2 of 4 stars). 2 submissions from 2 submitters: Uncertain significance (2). Last evaluated 2024-04-17.

Conditions:
Inborn genetic diseases. Identifiers: MedGen C0950123, MeSH D030342.

Allele frequency attached by ClinVar (database versions not stated): gnomAD exomes below 0.00001; TOPMed below 0.00001; gnomAD 0.00001.
gnomAD v4.1: 3 of 1,613,482 alleles (0.00019%); highest among the groups gnomAD compares: Non-Finnish European, 0.00025%; no homozygotes.

Submissions (2):

Labcorp Genetics (formerly Invitae), Labcorp
Classification: Uncertain significance. Last evaluated: 2024-04-17. Review status: criteria provided, single submitter. Criteria: Invitae Variant Classification Sherloc (09022015). Collection method: clinical testing. Allele origin: germline.
Comment: This sequence change replaces phenylalanine, which is neutral and non-polar, with cysteine, which is neutral and slightly polar, at codon 776 of the DDX58 protein (p.Phe776Cys). This variant is not present in population databases (gnomAD no frequency). This variant has not been reported in the literature in individuals affected with DDX58-related conditions. ClinVar contains an entry for this variant (Variation ID: 2516242). Advanced modeling of protein sequence and biophysical properties (such as structural, functional, and spatial information, amino acid conservation, physicochemical variation, residue mobility, and thermodynamic stability) performed at Invitae indicates that this missense variant is expected to disrupt DDX58 protein function with a positive predictive value of 80%. In summary, the available evidence is currently insufficient to determine the role of this variant in disease. Therefore, it has been classified as a Variant of Uncertain Significance.

Ambry Genetics
Classification: Uncertain significance for Inborn genetic diseases. Last evaluated: 2023-03-27. Review status: criteria provided, single submitter. Criteria: Ambry Variant Classification Scheme 2023. Collection method: clinical testing. Allele origin: germline.